The following is an entry in ClinVar:

NM_020911.2(PLXNA4):c.1610C>A (p.Thr537Asn)

Gene: PLXNA4 (plexin A4; minus strand). Cytogenetic location: 7q32.3.
Variant type: single nucleotide variant.
Coding change: c.1610C>A on transcript NM_020911.2 (MANE Select); coding-DNA position 1610, C replaced by A.
Protein change: p.Thr537Asn; replaces threonine 537 with asparagine.
Molecular consequence: missense variant.
Genome position (GRCh38, 1-based): chr7:132,228,464, G>T on the plus strand (C>A on the coding strand, the complement: PLXNA4 is on the minus strand). VCF-style: chr7-132228464-G-T. GRCh37 (hg19) VCF-style: chr7-131913223-G-T.
Other names: c.1610C>A, p.Thr537Asn (NM_001393897.1); short protein forms T537N.
Identifiers: ClinVar variation 3351860 (VCV003351860.1).

ClinVar aggregate classification (germline): Uncertain significance (0 of 4 stars; one submission).

Conditions:
PLXNA4-related disorder. Also called: PLXNA4-related condition.

gnomAD v4.1: 141 of 1,614,000 alleles (0.0087%); highest among the groups gnomAD compares: Non-Finnish European, 0.012%; no homozygotes.

Submission:

PreventionGenetics, part of Exact Sciences
Classification: Uncertain significance for PLXNA4-related condition. Last evaluated: 2024-03-04. Review status: no assertion criteria provided. Collection method: clinical testing. Allele origin: germline.
Comment: The PLXNA4 c.1610C>A variant is predicted to result in the amino acid substitution p.Thr537Asn. To our knowledge, this variant has not been reported in the literature. This variant is reported in 0.0070% of alleles in individuals of European (Non-Finnish) descent in gnomAD. At this time, the clinical significance of this variant is uncertain due to the absence of conclusive functional and genetic evidence.